The following is an entry in ClinVar:

ClinVar aggregate classification (germline): Uncertain significance (1 of 4 stars; one submission).

gnomAD v4.1: 5 of 1,611,106 alleles (0.00031%); highest among the groups gnomAD compares: East Asian, 0.0022%; no homozygotes.

Submission:

CeGaT Center for Human Genetics Tuebingen
Classification: Uncertain significance. Last evaluated: 2026-05-01. Review status: criteria provided, single submitter. Criteria: CeGaT Center For Human Genetics Tuebingen Variant Classification Criteria Version 2. Collection method: clinical testing. Allele origin: germline. Affected: yes. Observed: 1 variant allele.
Comment: WDR11: PM2

NM_018117.12(WDR11):c.920A>G (p.His307Arg)

Gene: WDR11 (WD repeat domain 11; plus strand). Cytogenetic location: 10q26.12.
Variant type: single nucleotide variant.
Coding change: c.920A>G on transcript NM_018117.12 (MANE Select); coding-DNA position 920, A replaced by G.
Protein change: p.His307Arg; replaces histidine 307 with arginine.
Molecular consequence: missense variant.
Genome position (GRCh38, 1-based): chr10:120,865,670, A>G. VCF-style: chr10-120865670-A-G. GRCh37 (hg19) VCF-style: chr10-122625182-A-G.
Other names: short protein forms H307R.
Identifiers: ClinVar variation 4873621 (VCV004873621.2).
Genomic context (GRCh38, chr10:120,865,670, plus strand): 5'-AATATATCATCTATTTAAAGGTAATACCCTGCTTTCAGCGTGATGGTTTATTTTGTCTAC[A>G]TGAAAATGGTTGTATAACTTTACGTGTTCGAAGATCTTATAATAACATTTTTACCACTTC-3'
Protein context (NP_060587.8, residues 297-317): CFQRDGLFCL[His307Arg]ENGCITLRVR